The following is an entry in ClinVar:

ClinVar aggregate classification (germline): Likely benign. Review status: criteria provided, multiple submitters, no conflicts (2 of 4 stars). 2 submissions from 2 submitters: Likely benign (2). Last evaluated 2026-08-01.

gnomAD v4.1: 26 of 1,526,430 alleles (0.0017%); highest among the groups gnomAD compares: East Asian, 0.0025%; no homozygotes.

Submissions (2):

CeGaT Center for Human Genetics Tuebingen
Classification: Likely benign. Last evaluated: 2026-08-01. Review status: criteria provided, single submitter. Criteria: CeGaT Center For Human Genetics Tuebingen Variant Classification Criteria Version 2. Collection method: clinical testing. Allele origin: germline. Affected: yes. Observed: 1 variant allele.
Comment: IRF2BPL: BP4, BP7

Blueprint Genetics
Classification: Likely benign. Last evaluated: 2022-08-10. Review status: criteria provided, single submitter. Criteria: ACMG Guidelines, 2015. Collection method: clinical testing. Allele origin: germline.

NM_024496.4(IRF2BPL):c.462C>T (p.Ala154=)

Gene: IRF2BPL (interferon regulatory factor 2 binding protein like; minus strand). Cytogenetic location: 14q24.3.
Variant type: single nucleotide variant.
Coding change: c.462C>T on transcript NM_024496.4 (MANE Select); coding-DNA position 462, C replaced by T.
Protein change: p.Ala154=; no amino-acid change (alanine 154 retained).
Molecular consequence: synonymous variant.
Genome position (GRCh38, 1-based): chr14:77,027,331, G>A on the plus strand (C>T on the coding strand, the complement: IRF2BPL is on the minus strand). VCF-style: chr14-77027331-G-A. GRCh37 (hg19) VCF-style: chr14-77493674-G-A.
Identifiers: ClinVar variation 4922625 (VCV004922625.2).